The following is an entry in ClinVar:

ClinVar aggregate classification (germline): Pathogenic (1 of 4 stars; one submission).

Conditions:
Baller-Gerold syndrome (BGS). Also called: CRANIOSYNOSTOSIS WITH RADIAL DEFECTS. Identifiers: Orphanet 1225, MedGen C0265308, MONDO:0009039, OMIM 218600.

Submission:

Labcorp Genetics (formerly Invitae), Labcorp
Classification: Pathogenic for Baller-Gerold syndrome. Last evaluated: 2024-04-22. Review status: criteria provided, single submitter. Criteria: Invitae Variant Classification Sherloc (09022015). Collection method: clinical testing. Allele origin: germline.
Comment: This sequence change creates a premature translational stop signal (p.Val1003Alafs*29) in the RECQL4 gene. It is expected to result in an absent or disrupted protein product. Loss-of-function variants in RECQL4 are known to be pathogenic (PMID: 12734318, 12952869). This variant is not present in population databases (gnomAD no frequency). This premature translational stop signal has been observed in individual(s) with clinical features of Rothmund-Thomson syndrome (PMID: 27247962). ClinVar contains an entry for this variant (Variation ID: 657598). For these reasons, this variant has been classified as Pathogenic.

Literature cited by the submitters: PubMed 12734318; PubMed 12952869; PubMed 27247962.

NM_004260.4(RECQL4):c.3008_3009del (p.Val1003fs)

Gene: RECQL4 (RecQ like helicase 4; minus strand). Cytogenetic location: 8q24.3.
Variant type: Microsatellite.
Coding change: c.3008_3009del on transcript NM_004260.4 (MANE Select); coding-DNA positions 3008 to 3009, 2 bases deleted (TG; older notation c.3008_3009delTG).
Protein change: p.Val1003fs; shifts the reading frame from valine 1003.
Molecular consequence: frameshift variant.
Genome position (GRCh38, 1-based): chr8:144,512,438-144,512,439, CA deleted on the plus strand (TG on the coding strand, the reverse complement: RECQL4 is on the minus strand); deleting any 2 consecutive bases within chr8:144,512,438-144,512,441 gives the same sequence; the c. name uses the placement nearest the transcript's 3' end. VCF-style (leftmost placement, unchanged base first): chr8-144512437-GCA-G. GRCh37 (hg19) VCF-style: chr8-145737820-GCA-G.
Other names: c.3008_3009del (NM_004260.3); short protein forms V1003fs.
Identifiers: ClinVar variation 657598 (VCV000657598.5), dbSNP rs1586795055, ClinGen allele CA915947388.
Genomic context (GRCh38, chr8:144,512,437, plus strand): 5'-TGGGGAGAGGCGCACCTGTCCTGGGCTCGTGGTCCCACTGCAGCTGGCAGAGAGCCCGCC[GCA>G]CAGAGGCCAGCTCCCAGCCCATGGAGTCCACCAGCTTGACCATGTCAAACTCCACGGAGC-3'